The following is an entry in ClinVar:

NM_018975.4(TERF2IP):c.811C>T (p.Pro271Ser)

Gene: TERF2IP (TERF2 interacting protein; plus strand). Cytogenetic location: 16q23.1.
Variant type: single nucleotide variant.
Coding change: c.811C>T on transcript NM_018975.4 (MANE Select); coding-DNA position 811, C replaced by T.
Protein change: p.Pro271Ser; replaces proline 271 with serine.
Molecular consequence: missense variant. On other transcripts: non-coding transcript variant (1).
Genome position (GRCh38, 1-based): chr16:75,656,222, C>T. VCF-style: chr16-75656222-C-T. GRCh37 (hg19) VCF-style: chr16-75690120-C-T.
Other names: short protein forms P271S.
Identifiers: ClinVar variation 3227204 (VCV003227204.1), dbSNP rs2507089164, ClinGen allele CA396819627.

ClinVar aggregate classification (germline): Uncertain significance (1 of 4 stars; one submission).

Submission:

Ambry Genetics
Classification: Uncertain significance. Last evaluated: 2024-03-05. Review status: criteria provided, single submitter. Criteria: Ambry Variant Classification Scheme 2023. Collection method: clinical testing. Allele origin: germline.
Comment: The p.P271S variant (also known as c.811C>T), located in coding exon 3 of the TERF2IP gene, results from a C to T substitution at nucleotide position 811. The proline at codon 271 is replaced by serine, an amino acid with similar properties. This amino acid position is conserved. In addition, this alteration is predicted to be tolerated by in silico analysis. Based on the available evidence, the clinical significance of this alteration remains unclear.